The following is an entry in ClinVar:

ClinVar aggregate classification (germline): Pathogenic. Review status: criteria provided, multiple submitters, no conflicts (2 of 4 stars). 5 submissions from 5 submitters: Pathogenic (4). 1 of the submissions does not count toward it. Last evaluated 2024-08-01.

Conditions:
Polycystic kidney disease, adult type (PKD1). Also called: POLYCYSTIC KIDNEY DISEASE 1 WITH OR WITHOUT POLYCYSTIC LIVER DISEASE; POLYCYSTIC KIDNEY DISEASE, ADULT, TYPE I; Polycystic Kidney Disease 1, Autosomal Dominant; Polycystic kidney disease 1; Polycystic kidney disease 1, severe; Polycystic Kidney, Autosomal Dominant. Identifiers: MedGen C3149841, MONDO:0008263, OMIM 173900.

Submissions (5):

CeGaT Center for Human Genetics Tuebingen
Classification: Pathogenic. Last evaluated: 2024-08-01. Review status: criteria provided, single submitter. Criteria: CeGaT Center For Human Genetics Tuebingen Variant Classification Criteria Version 2. Collection method: clinical testing. Allele origin: germline. Affected: yes. Observed: 1 variant allele.
Comment: PKD1: PVS1, PM2, PS4:Moderate

Fulgent Genetics
Classification: Pathogenic for Polycystic kidney disease, adult type. Last evaluated: 2024-05-31. Review status: criteria provided, single submitter. Criteria: ACMG Guidelines, 2015. Collection method: clinical testing. Allele origin: germline.

Department of Pathology and Laboratory Medicine, Sinai Health System
Classification: Pathogenic for Polycystic kidney disease, adult type. Last evaluated: 2022-06-24. Review status: criteria provided, single submitter. Criteria: ACMG Guidelines, 2015. Collection method: clinical testing. Allele origin: germline. Affected: yes.

Cavalleri Lab, Royal College of Surgeons in Ireland
Classification: Pathogenic for Polycystic kidney disease, adult type. Last evaluated: 2020-02-05. Review status: criteria provided, single submitter. Criteria: ACMG Guidelines, 2015. Collection method: research. Allele origin: unknown. Inheritance: Autosomal dominant inheritance. Affected: yes.
Comment: PVS1, PM2, PP4, PP5

Bioscientia Institut fuer Medizinische Diagnostik GmbH, Sonic Healthcare
Classification: Likely pathogenic for Polycystic kidney disease, adult type. Last evaluated: 2017-09-18. Review status: no assertion criteria provided. Collection method: clinical testing. Allele origin: germline. Affected: yes. Not counted in ClinVar's aggregate classification.

NM_001009944.3(PKD1):c.11563_11564del (p.Thr3855fs)

Genes: PKD1 (polycystin 1, transient receptor potential channel interacting; minus strand), PKD1-AS1 (PKD1 antisense RNA 1; plus strand). Cytogenetic location: 16p13.3.
Variant type: Deletion.
Coding change: c.11563_11564del on transcript NM_001009944.3 (MANE Select); coding-DNA positions 11563 to 11564, 2 bases deleted (AC; older notation c.11563_11564delAC).
Protein change: p.Thr3855fs; shifts the reading frame from threonine 3855.
Molecular consequence: frameshift variant. On other transcripts: non-coding transcript variant (1).
Genome position (GRCh38, 1-based): chr16:2,091,571-2,091,572, GT deleted on the plus strand (AC on the coding strand, the reverse complement: PKD1 is on the minus strand); deleting any 2 consecutive bases within chr16:2,091,571-2,091,573 gives the same sequence; the c. name uses the placement nearest the transcript's 3' end. VCF-style (leftmost placement, unchanged base first): chr16-2091570-CGT-C. GRCh37 (hg19) VCF-style: chr16-2141571-CGT-C.
Other names: c.11560_11561del, p.Thr3854fs (NM_000296.4); c.11563_11564del (NM_001009944.2); short protein forms T3854fs, T3855fs.
Identifiers: ClinVar variation 522397 (VCV000522397.24), dbSNP rs1555445585, ClinGen allele CA658798504.